The following is an entry in ClinVar:

NM_000166.6(GJB1):c.235C>T (p.Leu79=)

Gene: GJB1 (gap junction protein beta 1; plus strand). Cytogenetic location: Xq13.1.
Variant type: single nucleotide variant.
Coding change: c.235C>T on transcript NM_000166.6 (MANE Select); coding-DNA position 235, C replaced by T.
Protein change: p.Leu79=; no amino-acid change (leucine 79 retained).
Molecular consequence: synonymous variant.
Genome position (GRCh38, 1-based): chrX:71,223,942, C>T. VCF-style: chrX-71223942-C-T. GRCh37 (hg19) VCF-style: chrX-70443792-C-T.
Other names: p.Leu79=; c.235C>T, p.Leu79= (NM_001097642.3).
Identifiers: ClinVar variation 220932 (VCV000220932.65), dbSNP rs144717157, ClinGen allele CA350694.

ClinVar aggregate classification (germline): Benign/Likely benign. Review status: criteria provided, multiple submitters, no conflicts (2 of 4 stars). 15 submissions from 14 submitters: Benign (5); Likely benign (4). 6 of the submissions do not count toward it. Last evaluated 2026-01-28.

Conditions:
GJB1-related disorder. Also called: GJB1-related condition; GJB1-related disorders.
Inborn genetic diseases. Identifiers: MedGen C0950123, MeSH D030342.
Charcot-Marie-Tooth Neuropathy X. Identifiers: MedGen CN118851.
Charcot-Marie-Tooth disease X-linked dominant 1. Also called: GJB1 Disorders: Charcot-Marie-Tooth Neuropathy (CMT1X) and Central Nervous System Phenotypes; Charcot-Marie-Tooth Neuropathy X Type 1; X-linked Charcot-Marie-Tooth disease type 1; CHARCOT-MARIE-TOOTH NEUROPATHY, X-LINKED, 1; CHARCOT-MARIE-TOOTH PERONEAL MUSCULAR ATROPHY, X-LINKED; HEREDITARY MOTOR AND SENSORY NEUROPATHY, X-LINKED. Identifiers: Orphanet 101075, MedGen C0393808, MONDO:0010549, OMIM 302800.
Dejerine-Sottas disease. Also called: Charcot-Marie-Tooth disease type 3; HMSN Type III; Hereditary motor and sensory neuropathy 3; DEJERINE-SOTTAS NEUROPATHY; HEREDITARY MOTOR AND SENSORY NEUROPATHY TYPE III. Identifiers: Orphanet 64748, MedGen C0011195, MONDO:0007790, OMIM 145900.

Allele frequency attached by ClinVar (database versions not stated): 1000 Genomes Project 0.00026; 1000 Genomes Project 30x 0.00042; TOPMed 0.00160; gnomAD 0.00185 and 0.00186; ESP Exome Variant Server 0.00189; gnomAD exomes 0.00237 and 0.00255; ExAC 0.00260.

Submissions (15):

Labcorp Genetics (formerly Invitae), Labcorp
Classification: Benign for Charcot-Marie-Tooth Neuropathy X. Last evaluated: 2026-01-28. Review status: criteria provided, single submitter. Criteria: Invitae Variant Classification Sherloc (09022015). Collection method: clinical testing. Allele origin: germline.

Blueprint Genetics
Classification: Likely benign. Last evaluated: 2024-11-28. Review status: criteria provided, single submitter. Criteria: ACMG Guidelines, 2015. Collection method: clinical testing. Allele origin: germline.

ARUP Laboratories, Molecular Genetics and Genomics, ARUP Laboratories
Classification: Benign for Charcot-Marie-Tooth disease X-linked dominant 1. Last evaluated: 2021-09-27. Review status: criteria provided, single submitter. Criteria: ARUP Molecular Germline Variant Investigation Process 2021. Collection method: clinical testing. Allele origin: germline.

Genome-Nilou Lab
Classification: Benign for Charcot-Marie-Tooth disease X-linked dominant 1. Last evaluated: 2021-05-18. Review status: criteria provided, single submitter. Criteria: ACMG Guidelines, 2015. Collection method: clinical testing. Allele origin: germline. Affected: no.

CeGaT Center for Human Genetics Tuebingen
Classification: Likely benign. Last evaluated: 2020-08-01. Review status: criteria provided, single submitter. Criteria: CeGaT Center For Human Genetics Tuebingen Variant Classification Criteria Version 2. Collection method: clinical testing. Allele origin: germline. Affected: yes. Observed: 1 variant allele.

Mayo Clinic Laboratories, Mayo Clinic
Classification: Benign. Last evaluated: 2020-06-17. Review status: criteria provided, single submitter. Criteria: ACMG Guidelines, 2015. Collection method: clinical testing. Allele origin: germline. Observed: 16 variant alleles.

Illumina Laboratory Services, Illumina
Classification: Likely benign for Charcot-Marie-Tooth disease X-linked dominant 1. Last evaluated: 2017-04-27. Review status: criteria provided, single submitter. Criteria: ICSL Variant Classification Criteria 13 December 2019. Collection method: clinical testing. Allele origin: germline.
Comment: This variant was observed as part of a predisposition screen in an ostensibly healthy population. A literature search was performed for the gene, cDNA change, and amino acid change (where applicable). Publications were found based on this search. The evidence from the literature, in combination with allele frequency data from public databases where available, was sufficient to determine this variant is unlikely to cause disease. Therefore, this variant is classified as likely benign.

GeneDx
Classification: Benign. Last evaluated: 2016-12-22. Review status: criteria provided, single submitter. Criteria: GeneDx Variant Classification (06012015). Collection method: clinical testing. Allele origin: germline. Affected: yes.
Comment: This variant is considered likely benign or benign based on one or more of the following criteria: it is a conservative change, it occurs at a poorly conserved position in the protein, it is predicted to be benign by multiple in silico algorithms, and/or has population frequency not consistent with disease.

Ambry Genetics
Classification: Likely benign for Inborn genetic diseases. Last evaluated: 2014-10-21. Review status: criteria provided, single submitter. Criteria: Ambry Variant Classification Scheme 2023. Collection method: clinical testing. Allele origin: germline.

PreventionGenetics, part of Exact Sciences
Classification: Benign for GJB1-related condition. Last evaluated: 2019-06-24. Review status: no assertion criteria provided. Collection method: clinical testing. Allele origin: germline. Not counted in ClinVar's aggregate classification.
Comment: This variant is classified as benign based on ACMG/AMP sequence variant interpretation guidelines (Richards et al. 2015 PMID: 25741868, with internal and published modifications).

Clinical Genetics DNA and cytogenetics Diagnostics Lab, Erasmus MC, Erasmus Medical Center
Classification: Likely benign. Review status: no assertion criteria provided. Collection method: clinical testing. Allele origin: germline. Affected: yes. Study: VKGL Data-share Consensus. Not counted in ClinVar's aggregate classification.

Clinical Genetics, Academic Medical Center
Classification: Likely benign. Review status: no assertion criteria provided. Collection method: clinical testing. Allele origin: germline. Affected: yes. Study: VKGL Data-share Consensus. Not counted in ClinVar's aggregate classification.

Genome Diagnostics Laboratory, University Medical Center Utrecht
Classification: Likely benign. Review status: no assertion criteria provided. Collection method: clinical testing. Allele origin: germline. Affected: yes. Study: VKGL Data-share Consensus. Not counted in ClinVar's aggregate classification.

Inherited Neuropathy Consortium
Classification: Uncertain significance for Dejerine-Sottas disease. Review status: no assertion criteria provided. Collection method: literature only. Allele origin: germline. Affected: yes. Not counted in ClinVar's aggregate classification.

Inherited Neuropathy Consortium
Classification: Uncertain significance. Review status: flagged submission. Collection method: literature only. Allele origin: germline. Affected: yes. Not counted in ClinVar's aggregate classification.
ClinVar note: Reason: This record appears to be redundant with a more recent record from the same submitter.
ClinVar note: Notes: SCV000929625 appears to be redundant with SCV000929710.

Literature cited by the submitters: PubMed 10737979 (cited by Illumina Laboratory Services, Illumina and Inherited Neuropathy Consortium); PubMed 9633821 (cited by Illumina Laboratory Services, Illumina and Inherited Neuropathy Consortium).